The following is an entry in ClinVar:

ClinVar aggregate classification (germline): Uncertain significance (1 of 4 stars; one submission).

Submission:

GeneDx
Classification: Uncertain significance. Last evaluated: 2023-03-24. Review status: criteria provided, single submitter. Criteria: GeneDx Variant Classification Process June 2021. Collection method: clinical testing. Allele origin: germline. Affected: yes.
Comment: Not observed at significant frequency in large population cohorts (gnomAD); In silico analysis supports that this missense variant has a deleterious effect on protein structure/function; Has not been previously published as pathogenic or benign to our knowledge

NM_006421.5(ARFGEF1):c.2743A>G (p.Met915Val)

Gene: ARFGEF1 (ARF guanine nucleotide exchange factor 1; minus strand). Cytogenetic location: 8q13.2.
Variant type: single nucleotide variant.
Coding change: c.2743A>G on transcript NM_006421.5 (MANE Select); coding-DNA position 2743, A replaced by G.
Protein change: p.Met915Val; replaces methionine 915 with valine.
Molecular consequence: missense variant. On other transcripts: non-coding transcript variant (1).
Genome position (GRCh38, 1-based): chr8:67,251,406, T>C on the plus strand (A>G on the coding strand, the complement: ARFGEF1 is on the minus strand). VCF-style: chr8-67251406-T-C. GRCh37 (hg19) VCF-style: chr8-68163641-T-C.
Other names: c.2743A>G, p.Met915Val (NM_001413184.1, NM_001413185.1, NM_001413186.1 and 6 more transcripts); c.2143A>G, p.Met715Val (NM_001413188.1, NM_001413193.1, NM_001413197.1); c.2737A>G, p.Met913Val (NM_001413190.1); c.1318A>G, p.Met440Val (NM_001413196.1); short protein forms M440V, M715V, M913V, M915V.
Identifiers: ClinVar variation 2662301 (VCV002662301.1), dbSNP rs2491545243, ClinGen allele CA371211771.